The following is an entry in ClinVar:

ClinVar aggregate classification (germline): Uncertain significance (1 of 4 stars; one submission).

gnomAD v4.1: 5 of 1,613,154 alleles (0.00031%); highest among the groups gnomAD compares: African/African-American, 0.0027%; no homozygotes.

Submission:

Labcorp Genetics (formerly Invitae), Labcorp
Classification: Uncertain significance. Last evaluated: 2025-11-06. Review status: criteria provided, single submitter. Criteria: Invitae Variant Classification Sherloc (09022015). Collection method: clinical testing. Allele origin: germline.
Comment: This sequence change replaces alanine, which is neutral and non-polar, with threonine, which is neutral and polar, at codon 332 of the VPS13A protein (p.Ala332Thr). This variant is present in population databases (rs538429825, gnomAD 0.007%). This variant has not been reported in the literature in individuals affected with VPS13A-related conditions. Invitae Evidence Modeling of protein sequence and biophysical properties (such as structural, functional, and spatial information, amino acid conservation, physicochemical variation, residue mobility, and thermodynamic stability) indicates that this missense variant is not expected to disrupt VPS13A protein function with a negative predictive value of 80%. In summary, the available evidence is currently insufficient to determine the role of this variant in disease. Therefore, it has been classified as a Variant of Uncertain Significance.

NM_033305.3(VPS13A):c.994G>A (p.Ala332Thr)

Gene: VPS13A (vacuolar protein sorting 13 homolog A; plus strand). Cytogenetic location: 9q21.2.
Variant type: single nucleotide variant.
Coding change: c.994G>A on transcript NM_033305.3 (MANE Select); coding-DNA position 994, G replaced by A.
Protein change: p.Ala332Thr; replaces alanine 332 with threonine.
Molecular consequence: missense variant.
Genome position (GRCh38, 1-based): chr9:77,221,189, G>A. VCF-style: chr9-77221189-G-A. GRCh37 (hg19) VCF-style: chr9-79836105-G-A.
Other names: c.994G>A, p.Ala332Thr (NM_001018037.2, NM_001018038.3, NM_015186.4); short protein forms A332T.
Identifiers: ClinVar variation 4690463 (VCV004690463.1).